The following is an entry in ClinVar:

NM_000492.4(CFTR):c.2822del (p.Leu941fs)

Gene: CFTR (CF transmembrane conductance regulator; plus strand). Cytogenetic location: 7q31.2.
Variant type: Deletion.
Coding change: c.2822del on transcript NM_000492.4 (MANE Select); coding-DNA position 2822, one base deleted (T; older notation c.2822delT).
Protein change: p.Leu941fs; shifts the reading frame from leucine 941.
Molecular consequence: frameshift variant.
Genome position (GRCh38, 1-based): chr7:117,603,696, T deleted. VCF-style (leftmost placement, unchanged base first): chr7-117603695-CT-C. GRCh37 (hg19) VCF-style: chr7-117243749-CT-C.
Other names: p.Leu941GlnfsX27; c.2822delT (NM_000492.4, NM_000492.3); short protein forms L941fs.
Identifiers: ClinVar variation 555883 (VCV000555883.13), dbSNP rs762844777, ClinGen allele CA4451295.

ClinVar aggregate classification (germline): Pathogenic. Review status: reviewed by expert panel (3 of 4 stars). 6 submissions from 6 submitters: Pathogenic (1). 5 of the submissions do not count toward it. Last evaluated 2021-09-24.

Conditions:
Cystic fibrosis (CF). Also called: MUCOVISCIDOSIS. Identifiers: Orphanet 586, MedGen C0010674, MONDO:0009061, OMIM 219700. Disease mechanism: loss of function.
CFTR-related disorder (CFTR-RD). Also called: CFTR-related disorders; CFTR-related condition. Identifiers: MedGen C5924204, MONDO:7770004.
Bronchiectasis with or without elevated sweat chloride 1 (BESC1). Also called: Cystic Fibrosis-Like Syndrome. Identifiers: Orphanet 60033, MedGen C2749757, MONDO:0008887, OMIM 211400.
Hereditary pancreatitis (PCTT). Also called: Hereditary chronic pancreatitis; PRSS1-Related Hereditary Pancreatitis. Identifiers: Orphanet 676, MedGen C0238339, MONDO:0008185, OMIM 167800.
Congenital bilateral aplasia of vas deferens from CFTR mutation (CBAVD). Identifiers: Orphanet 48, MedGen C0403814, MONDO:0010178, OMIM 277180. Disease mechanism: loss of function.

Allele frequency attached by ClinVar (database versions not stated): ExAC 0.00001; gnomAD exomes below 0.00001.

Submissions (6):

CFTR2
Classification: Pathogenic for Cystic fibrosis. Last evaluated: 2021-09-24. Review status: reviewed by expert panel. Criteria: Submitter's publication and website. Collection method: research. Allele origin: germline. Affected: yes.

Natera, Inc.
Classification: Pathogenic for CFTR-related disorders. Last evaluated: 2026-01-05. Review status: criteria provided, single submitter. Criteria: Natera Variant Classification Schema (03/2026). Collection method: clinical testing. Allele origin: germline. Not counted in ClinVar's aggregate classification.
Comment: The c.2822delT variant in CFTR is a frameshift variant predicted to shift the reading frame beginning at codon 941 and leads to a stop codon 27 codons downstream. This variant is expected to result in nonsense mediated decay, truncation, or a dysfunctional protein product. This variant is rare in the general population with a frequency below the threshold expected for the associated phenotype(s). This variant has been observed in one or more individuals affected with the associated recessive disease, as either homozygous or compound heterozygous with a second variant (PMID: 23810505). Given the available evidence, this variant is classified as Pathogenic.

Women's Health and Genetics/Laboratory Corporation of America, LabCorp
Classification: Pathogenic for Cystic fibrosis. Last evaluated: 2024-03-27. Review status: criteria provided, single submitter. Criteria: LabCorp Variant Classification Summary - May 2015. Collection method: clinical testing. Allele origin: germline. Not counted in ClinVar's aggregate classification.
Comment: Variant summary: CFTR c.2822delT (p.Leu941GlnfsX27) results in a premature termination codon, predicted to cause a truncation of the encoded protein or absence of the protein due to nonsense mediated decay, which are commonly known mechanisms for disease. The variant allele was found at a frequency of 4e-06 in 251410 control chromosomes. c.2822delT has been reported in multiple individuals in the CFTR2 database and in the literature in multiple homozygous individuals affected with Cystic Fibrosis (e.g. Kharrazi_2015). These data indicate that the variant is very likely to be associated with disease. To our knowledge, no experimental evidence demonstrating an impact on protein function has been reported. The following publication has been ascertained in the context of this evaluation (PMID: 26574590). ClinVar contains an entry for this variant (Variation ID: 555883). Based on the evidence outlined above, the variant was classified as pathogenic.

Labcorp Genetics (formerly Invitae), Labcorp
Classification: Pathogenic for Cystic fibrosis. Last evaluated: 2023-06-27. Review status: criteria provided, single submitter. Criteria: Invitae Variant Classification Sherloc (09022015). Collection method: clinical testing. Allele origin: germline. Not counted in ClinVar's aggregate classification.
Comment: This sequence change creates a premature translational stop signal (p.Leu941Glnfs*27) in the CFTR gene. It is expected to result in an absent or disrupted protein product. Loss-of-function variants in CFTR are known to be pathogenic (PMID: 1695717, 7691345, 9725922). For these reasons, this variant has been classified as Pathogenic. ClinVar contains an entry for this variant (Variation ID: 555883). This premature translational stop signal has been observed in individual(s) with cystic fibrosis (PMID: 23810505). This variant is present in population databases (rs762844777, gnomAD 0.003%).

Fulgent Genetics
Classification: Pathogenic for Hereditary pancreatitis; Bronchiectasis with or without elevated sweat chloride 1; Cystic fibrosis; Congenital bilateral aplasia of vas deferens from CFTR mutation. Last evaluated: 2022-04-05. Review status: criteria provided, single submitter. Criteria: ACMG Guidelines, 2015. Collection method: clinical testing. Allele origin: unknown. Not counted in ClinVar's aggregate classification.

Counsyl
Classification: Likely pathogenic for Cystic fibrosis. Last evaluated: 2018-01-02. Review status: no assertion criteria provided. Collection method: clinical testing. Allele origin: unknown. Not counted in ClinVar's aggregate classification.

Literature cited by the submitters: PubMed 23810505 (cited by 3 submitters); PubMed 26574590 (cited by Women's Health and Genetics/Laboratory Corporation of America, LabCorp and Counsyl); PubMed 1695717 (cited by Labcorp Genetics (formerly Invitae), Labcorp); PubMed 7691345 (cited by Labcorp Genetics (formerly Invitae), Labcorp); PubMed 9725922 (cited by Labcorp Genetics (formerly Invitae), Labcorp).